The following is an entry in ClinVar:

NM_024426.6(WT1):c.110G>A (p.Gly37Glu)

Genes: WT1 (WT1 transcription factor; minus strand), LOC107982234 (WT1/WT1-AS bi-directional promoter region; plus strand). Cytogenetic location: 11p13.
Variant type: single nucleotide variant.
Coding change: c.110G>A on transcript NM_024426.6 (MANE Select); coding-DNA position 110, G replaced by A.
Protein change: p.Gly37Glu; replaces glycine 37 with glutamic acid.
Molecular consequence: missense variant. On other transcripts: non-coding transcript variant (2).
Genome position (GRCh38, 1-based): chr11:32,435,251, C>T on the plus strand (G>A on the coding strand, the complement: WT1 is on the minus strand). VCF-style: chr11-32435251-C-T. GRCh37 (hg19) VCF-style: chr11-32456797-C-T.
Other names: c.110G>A, p.Gly37Glu (NM_000378.6, NM_001407044.1, NM_001407045.1 and 6 more transcripts); c.95G>A (NM_024426.4); c.95G>A, p.Gly32Glu (NM_024425.2); short protein forms G32E, G37E.
Identifiers: ClinVar variation 2940785 (VCV002940785.4), dbSNP rs1853477982, ClinGen allele CA379966362.

ClinVar aggregate classification (germline): Uncertain significance. Review status: criteria provided, multiple submitters, no conflicts (2 of 4 stars). 2 submissions from 2 submitters: Uncertain significance (2). Last evaluated 2026-02-28.

Conditions:
Wilms tumor 1 (WT1). Also called: Wilms tumor, somatic. Identifiers: Orphanet 654, MedGen CN033288, MONDO:0008679, OMIM 194070.
Frasier syndrome. Identifiers: Orphanet 347, MedGen C0950122, MeSH D052159, MONDO:0007635, OMIM 136680.
11p partial monosomy syndrome (WAGR). Also called: WAGR syndrome; WAGR Complex; WAGR Spectrum Disorder; CHROMOSOME 11p13 DELETION SYNDROME. Identifiers: Orphanet 893, MedGen C0206115, MONDO:0008681, OMIM 194072.
Drash syndrome (DDS). Also called: NEPHROPATHY, WILMS TUMOR, AND GENITAL ANOMALIES; WILMS TUMOR AND PSEUDO- OR TRUE HERMAPHRODITISM. Identifiers: Orphanet 220, MedGen C0950121, MONDO:0008682, OMIM 194080.
Inborn genetic diseases. Identifiers: MedGen C0950123, MeSH D030342.

Allele frequency attached by ClinVar (database versions not stated): gnomAD exomes 0.00001.
gnomAD v4.1: 3 of 1,535,864 alleles (0.0002%); highest among the groups gnomAD compares: African/African-American, 0.0014%; no homozygotes.

Submissions (2):

Ambry Genetics
Classification: Uncertain significance for Inborn genetic diseases. Last evaluated: 2026-02-28. Review status: criteria provided, single submitter. Criteria: Ambry Variant Classification Scheme 2023. Collection method: clinical testing. Allele origin: germline.
Comment: The p.G32E variant (also known as c.95G>A), located in coding exon 1 of the WT1 gene, results from a G to A substitution at nucleotide position 95. The glycine at codon 32 is replaced by glutamic acid, an amino acid with similar properties. This amino acid position is conserved. In addition, this alteration is predicted to be tolerated by in silico analysis. Based on the available evidence, the clinical significance of this variant remains unclear.

Labcorp Genetics (formerly Invitae), Labcorp
Classification: Uncertain significance for Wilms tumor 1; Drash syndrome; 11p partial monosomy syndrome; Frasier syndrome. Last evaluated: 2023-12-26. Review status: criteria provided, single submitter. Criteria: Invitae Variant Classification Sherloc (09022015). Collection method: clinical testing. Allele origin: germline.
Comment: This sequence change replaces glycine, which is neutral and non-polar, with glutamic acid, which is acidic and polar, at codon 32 of the WT1 protein (p.Gly32Glu). This variant is not present in population databases (gnomAD no frequency). This variant has not been reported in the literature in individuals affected with WT1-related conditions. An algorithm developed to predict the effect of missense changes on protein structure and function (PolyPhen-2) suggests that this variant is likely to be tolerated. In summary, the available evidence is currently insufficient to determine the role of this variant in disease. Therefore, it has been classified as a Variant of Uncertain Significance.